The following is an entry in ClinVar:

NM_002354.3(EPCAM):c.435C>G (p.Ile145Met)

Gene: EPCAM (epithelial cell adhesion molecule; plus strand). Cytogenetic location: 2p21.
Variant type: single nucleotide variant.
Coding change: c.435C>G on transcript NM_002354.3 (MANE Select); coding-DNA position 435, C replaced by G.
Protein change: p.Ile145Met; replaces isoleucine 145 with methionine.
Molecular consequence: missense variant.
Genome position (GRCh38, 1-based): chr2:47,375,243, C>G. VCF-style: chr2-47375243-C-G. GRCh37 (hg19) VCF-style: chr2-47602382-C-G.
Other names: short protein forms I145M.
Identifiers: ClinVar variation 4249682 (VCV004249682.1).

ClinVar aggregate classification (germline): Uncertain significance (1 of 4 stars; one submission).

Conditions:
Hereditary cancer-predisposing syndrome. Also called: Hereditary Cancer Syndrome; Hereditary neoplastic syndrome; Neoplastic Syndromes, Hereditary; Tumor predisposition. Identifiers: Orphanet 140162, MedGen C0027672, MeSH D009386, MONDO:0015356.

Submission:

Ambry Genetics
Classification: Uncertain significance for Hereditary cancer-predisposing syndrome. Last evaluated: 2025-07-09. Review status: criteria provided, single submitter. Criteria: Ambry Variant Classification Scheme 2023. Collection method: clinical testing. Allele origin: germline.
Comment: The p.I145M variant (also known as c.435C>G), located in coding exon 4 of the EPCAM gene, results from a C to G substitution at nucleotide position 435. The isoleucine at codon 145 is replaced by methionine, an amino acid with highly similar properties. This amino acid position is conserved. In addition, this alteration is predicted to be tolerated by in silico analysis. Based on the available evidence, the clinical significance of this variant remains unclear.